The following is an entry in ClinVar:

NM_001384125.1(BLTP1):c.1498+4A>G

Gene: BLTP1 (bridge-like lipid transfer protein family member 1; plus strand). Cytogenetic location: 4q27.
Variant type: single nucleotide variant.
Coding change: c.1498+4A>G on transcript NM_001384125.1 (MANE Select); 4 bases into the intron after coding-DNA position 1498, A replaced by G.
Molecular consequence: intron variant.
Genome position (GRCh38, 1-based): chr4:122,201,130, A>G. VCF-style: chr4-122201130-A-G. GRCh37 (hg19) VCF-style: chr4-123122285-A-G.
Other names: c.1498+4A>G (NM_015312.4).
Identifiers: ClinVar variation 451135 (VCV000451135.6), dbSNP rs750465235, ClinGen allele CA3065648.
Genomic context (GRCh38, chr4:122,201,130, plus strand): 5'-TAGAGGTTTATAAAGCCACTTACCACTTCATCTTTGCACAGAAAAACTTCTTTACAGGTA[A>G]TTTTCTAATAGATATAAATACAGTGAGATTTATCACAGTGAACTTGTTTACATTTGATAA-3'

ClinVar aggregate classification (germline): Conflicting classifications of pathogenicity. Review status: criteria provided, conflicting classifications (1 of 4 stars). 4 submissions from 4 submitters: Uncertain significance (3); Likely benign (1). Last evaluated 2026-06-29.

Conditions:
BLTP1-related disorder. Also called: BLTP1-related condition.

Allele frequency attached by ClinVar (database versions not stated): ExAC 0.00003; gnomAD 0.00003 and 0.00004; gnomAD exomes 0.00003 and 0.00004; TOPMed 0.00006.
gnomAD v4.1: 68 of 1,602,208 alleles (0.0042%); highest among the groups gnomAD compares: Middle Eastern, 0.017%; no homozygotes.

Submissions (4):

PreventionGenetics, part of Exact Sciences
Classification: Likely benign for BLTP1-related condition. Last evaluated: 2026-06-29. Review status: criteria provided, single submitter. Criteria: ACMG Guidelines, 2015. Collection method: clinical testing. Allele origin: germline.
Comment: This variant is classified as likely benign based on ACMG/AMP sequence variant interpretation guidelines (Richards et al. 2015 PMID: 25741868, with internal and published modifications).

Ambry Genetics
Classification: Uncertain significance. Last evaluated: 2022-02-28. Review status: criteria provided, single submitter. Criteria: Ambry Variant Classification Scheme 2023. Collection method: clinical testing. Allele origin: germline.
Comment: The c.1498+4A>G intronic alteration consists of a A to G substitution 4 nucleotides after exon 13 of the KIAA1109 gene. Based on insufficient or conflicting evidence, the clinical significance of this alteration remains unclear.

GeneDx
Classification: Uncertain significance. Last evaluated: 2017-08-03. Review status: criteria provided, single submitter. Criteria: GeneDx Variant Classification (06012015). Collection method: clinical testing. Allele origin: germline. Affected: yes.
Comment: The c.1498+4A>G variant in the KIAA1109 gene has not been reported previously as a pathogenic variant, nor as a benign variant, to our knowledge. Some in-silico splice prediction models predict that c.1498+4A>G may damage or destroy the splice donor site in intron 13, which is expected to cause abnormal gene splicing. However, in the absence of RNA/functional studies, the actual effect of c.1498+4A>G in this individual is unknown. The c.1498+4A>G variant is not observed at a significant frequency in large population cohorts (Lek et al., 2016; 1000 Genomes Consortium et al., 2015; Exome Variant Server). We interpret c.1498+4A>G as a variant of uncertain significance.

Breakthrough Genomics
Classification: Uncertain significance. Review status: criteria provided, single submitter. Criteria: ACMG Guidelines, 2015. Collection method: not provided. Allele origin: germline. Inheritance: Unknown mechanism. Affected: yes.